The following is an entry in ClinVar:

NM_001292063.2(OTOG):c.7353A>C (p.Gln2451His)

Gene: OTOG (otogelin; plus strand). Cytogenetic location: 11p15.1.
Variant type: single nucleotide variant.
Coding change: c.7353A>C on transcript NM_001292063.2 (MANE Select); coding-DNA position 7353, A replaced by C.
Protein change: p.Gln2451His; replaces glutamine 2451 with histidine.
Molecular consequence: missense variant.
Genome position (GRCh38, 1-based): chr11:17,634,154, A>C. VCF-style: chr11-17634154-A-C. GRCh37 (hg19) VCF-style: chr11-17655701-A-C.
Other names: c.7389A>C, p.Gln2463His (NM_001277269.2); short protein forms Q2463H, Q2451H.
Identifiers: ClinVar variation 504787 (VCV000504787.15), dbSNP rs145833172, ClinGen allele CA5906124.

ClinVar aggregate classification (germline): Likely benign. Review status: criteria provided, multiple submitters, no conflicts (2 of 4 stars). 3 submissions from 3 submitters: Likely benign (3). Last evaluated 2026-01-05.

Conditions:
OTOG-related disorder. Also called: OTOG-related condition.

Allele frequency attached by ClinVar (database versions not stated): ExAC 0.00007; gnomAD exomes 0.00018; gnomAD 0.00128 and 0.00134; TOPMed 0.00133; 1000 Genomes Project 30x 0.00156; 1000 Genomes Project 0.00200.
gnomAD v4.1: 322 of 1,549,856 alleles (0.021%); highest among the groups gnomAD compares: African/African-American, 0.4%; no homozygotes.

Submissions (3):

Labcorp Genetics (formerly Invitae), Labcorp
Classification: Likely benign. Last evaluated: 2026-01-05. Review status: criteria provided, single submitter. Criteria: Invitae Variant Classification Sherloc (09022015). Collection method: clinical testing. Allele origin: germline.

PreventionGenetics, part of Exact Sciences
Classification: Likely benign for OTOG-related condition. Last evaluated: 2025-01-03. Review status: criteria provided, single submitter. Criteria: ACMG Guidelines, 2015. Collection method: clinical testing. Allele origin: germline.
Comment: This variant is classified as likely benign based on ACMG/AMP sequence variant interpretation guidelines (Richards et al. 2015 PMID: 25741868, with internal and published modifications).

Laboratory for Molecular Medicine, Mass General Brigham Personalized Medicine
Classification: Likely benign. Last evaluated: 2017-11-15. Review status: criteria provided, single submitter. Criteria: LMM Criteria. Collection method: clinical testing. Allele origin: germline. Observed: 2 variant alleles.
Comment: p.Gln2463His in exon 43 of OTOG: This variant is not expected to have clinical s ignificance because it has been identified in 0.4% (62/15180) of African chromos omeschromosomes by the Genome Aggregation Database (gnomAD; dbSNP rs145833172).